The following is an entry in ClinVar:

ClinVar aggregate classification (germline): Likely benign (1 of 4 stars; one submission).

Allele frequency attached by ClinVar (database versions not stated): gnomAD exomes 0.00001; ExAC 0.00005; gnomAD 0.00007; TOPMed 0.00007; ESP Exome Variant Server 0.00008.
gnomAD v4.1: 26 of 1,608,630 alleles (0.0016%); highest among the groups gnomAD compares: Middle Eastern, 0.033%; no homozygotes.

Submission:

CeGaT Center for Human Genetics Tuebingen
Classification: Likely benign. Last evaluated: 2022-06-01. Review status: criteria provided, single submitter. Criteria: CeGaT Center For Human Genetics Tuebingen Variant Classification Criteria Version 2. Collection method: clinical testing. Allele origin: germline. Affected: yes. Observed: 1 variant allele.
Comment: ARFGEF3: BP4, BP7

NM_020340.5(ARFGEF3):c.2094C>T (p.Thr698=)

Gene: ARFGEF3 (ARFGEF family member 3; plus strand). Cytogenetic location: 6q23.3.
Variant type: single nucleotide variant.
Coding change: c.2094C>T on transcript NM_020340.5 (MANE Select); coding-DNA position 2094, C replaced by T.
Protein change: p.Thr698=; no amino-acid change (threonine 698 retained).
Molecular consequence: synonymous variant.
Genome position (GRCh38, 1-based): chr6:138,263,577, C>T. VCF-style: chr6-138263577-C-T. GRCh37 (hg19) VCF-style: chr6-138584714-C-T.
Identifiers: ClinVar variation 2656938 (VCV002656938.24), dbSNP rs373292748, ClinGen allele CA4020712.